The following is an entry in ClinVar:

ClinVar aggregate classification (germline): Uncertain significance (1 of 4 stars; one submission).

Submission:

GeneDx
Classification: Uncertain significance. Last evaluated: 2025-07-07. Review status: criteria provided, single submitter. Criteria: GeneDx Variant Classification Process June 2021. Collection method: clinical testing. Allele origin: germline. Affected: yes.
Comment: Not observed at significant frequency in large population cohorts (gnomAD); In silico analysis supports that this missense variant has a deleterious effect on protein structure/function; Has not been previously published as pathogenic or benign to our knowledge; This substitution is predicted to be within the cytoplasmic loop between the first and second homologous domains

NM_001165963.4(SCN1A):c.1287G>C (p.Gln429His)

Gene: SCN1A (sodium voltage-gated channel alpha subunit 1; minus strand). Cytogenetic location: 2q24.3.
Variant type: single nucleotide variant.
Coding change: c.1287G>C on transcript NM_001165963.4 (MANE Select); coding-DNA position 1287, G replaced by C.
Protein change: p.Gln429His; replaces glutamine 429 with histidine.
Molecular consequence: missense variant. On other transcripts: 5 prime UTR variant (1), non-coding transcript variant (1).
Genome position (GRCh38, 1-based): chr2:166,046,860, C>G on the plus strand (G>C on the coding strand, the complement: SCN1A is on the minus strand). VCF-style: chr2-166046860-C-G. GRCh37 (hg19) VCF-style: chr2-166903370-C-G.
Other names: c.1287G>C, p.Gln429His (NM_001165964.3, NM_001202435.3, NM_001353948.2 and 10 more transcripts); c.-1139G>C (NM_001353961.2); short protein forms Q429H.
Identifiers: ClinVar variation 4685347 (VCV004685347.1).
Genomic context (GRCh38, chr2:166,046,860, plus strand): 5'-TTCAATCATCTGCTGAAATTCGGCCTCTTTCTGTTCTGCTTCTTCCAAGGTGGCCTGATT[C>G]TGTTCCTCGTAGGCCATGGCCACCACAGCCAGGATCAAATTTATTAGGTAGAATGAGCCC-3'
Protein context (NP_001159435.1, residues 419-439): LAVVAMAYEE[Gln429His]NQATLEEAEQ